The following is an entry in ClinVar:

ClinVar aggregate classification (germline): Uncertain significance (1 of 4 stars; one submission).

Conditions:
Hereditary breast ovarian cancer syndrome. Also called: Hereditary breast and ovarian cancer syndrome; Hereditary breast and ovarian cancer syndrome (HBOC); Breast and ovarian cancer; BRCA1- and BRCA2-Associated Hereditary Breast and Ovarian Cancer; Hereditary breast and/or ovarian cancer syndrome; Hereditary breast and ovarian cancer. Identifiers: Orphanet 145, MedGen C0677776, MeSH D061325, MONDO:0003582. Disease mechanism: loss of function.

gnomAD v4.1: 1 of 1,613,546 alleles (0.000062%); no homozygotes.

Submission:

Labcorp Genetics (formerly Invitae), Labcorp
Classification: Uncertain significance for Hereditary breast ovarian cancer syndrome. Last evaluated: 2025-05-02. Review status: criteria provided, single submitter. Criteria: Invitae Variant Classification Sherloc (09022015). Collection method: clinical testing. Allele origin: germline.
Comment: This sequence change replaces leucine, which is neutral and non-polar, with phenylalanine, which is neutral and non-polar, at codon 2478 of the BRCA2 protein (p.Leu2478Phe). This variant is not present in population databases (gnomAD no frequency). This variant has not been reported in the literature in individuals affected with BRCA2-related conditions. An algorithm developed to predict the effect of missense changes on protein structure and function (PolyPhen-2) suggests that this variant is likely to be disruptive. Algorithms developed to predict the effect of sequence changes on RNA splicing suggest that this variant may disrupt the consensus splice site. In summary, the available evidence is currently insufficient to determine the role of this variant in disease. Therefore, it has been classified as a Variant of Uncertain Significance.

NM_000059.4(BRCA2):c.7434A>T (p.Leu2478Phe)

Gene: BRCA2 (BRCA2 DNA repair associated; plus strand). Cytogenetic location: 13q13.1.
Variant type: single nucleotide variant.
Coding change: c.7434A>T on transcript NM_000059.4 (MANE Select); coding-DNA position 7434, A replaced by T.
Protein change: p.Leu2478Phe; replaces leucine 2478 with phenylalanine.
Molecular consequence: missense variant. On other transcripts: non-coding transcript variant (1).
Genome position (GRCh38, 1-based): chr13:32,355,287, A>T. VCF-style: chr13-32355287-A-T. GRCh37 (hg19) VCF-style: chr13-32929424-A-T.
Other names: c.7338A>T, p.Leu2446Phe (NM_001406719.1); c.7434A>T, p.Leu2478Phe (NM_001406720.1, NM_001432077.1); c.2502A>T, p.Leu834Phe (NM_001406721.1); c.1017A>T, p.Leu339Phe (NM_001406722.1); short protein forms L2446F, L2478F, L339F, L834F.
Identifiers: ClinVar variation 4717864 (VCV004717864.1).
Genomic context (GRCh38, chr13:32,355,287, plus strand): 5'-CAAAAACAACTCCAATCAAGCAGTAGCTGTAACTTTCACAAAGTGTGAAGAAGAACCTTT[A>T]GGTATTGTATGACAATTTGTGTGATGAATTTTTGCCTTTCAGTTAGATATTTCCGTTGTT-3'
Protein context (NP_000050.3, residues 2468-2488): VTFTKCEEEP[Leu2478Phe]DLITSLQNAR